The following is an entry in ClinVar:

ClinVar aggregate classification (germline): Likely benign (0 of 4 stars; one submission).

Conditions:
SLC51A-related disorder. Also called: SLC51A-related condition.

Allele frequency attached by ClinVar (database versions not stated): TOPMed 0.00003; gnomAD 0.00019; gnomAD exomes 0.00025; ExAC 0.00060; 1000 Genomes Project 30x 0.00141; 1000 Genomes Project 0.00160.
gnomAD v4.1: 396 of 1,607,270 alleles (0.025%); highest among the groups gnomAD compares: South Asian, 0.42%; 5 homozygotes.

Submission:

PreventionGenetics, part of Exact Sciences
Classification: Likely benign for SLC51A-related condition. Last evaluated: 2023-07-23. Review status: no assertion criteria provided. Collection method: clinical testing. Allele origin: germline.
Comment: This variant is classified as likely benign based on ACMG/AMP sequence variant interpretation guidelines (Richards et al. 2015 PMID: 25741868, with internal and published modifications).

NM_152672.6(SLC51A):c.134-8T>C

Gene: SLC51A (solute carrier family 51 member A; plus strand). Cytogenetic location: 3q29.
Variant type: single nucleotide variant.
Coding change: c.134-8T>C on transcript NM_152672.6 (MANE Select); 8 bases into the intron before coding-DNA position 134, T replaced by C.
Molecular consequence: intron variant.
Genome position (GRCh38, 1-based): chr3:196,226,957, T>C. VCF-style: chr3-196226957-T-C. GRCh37 (hg19) VCF-style: chr3-195953828-T-C.
Identifiers: ClinVar variation 3054012 (VCV003054012.2), dbSNP rs538670663, ClinGen allele CA2778946.